The following is an entry in ClinVar:

NM_000245.4(MET):c.703A>G (p.Ile235Val)

Gene: MET (MET proto-oncogene, receptor tyrosine kinase; plus strand). Cytogenetic location: 7q31.2.
Variant type: single nucleotide variant.
Coding change: c.703A>G on transcript NM_000245.4 (MANE Select); coding-DNA position 703, A replaced by G.
Protein change: p.Ile235Val; replaces isoleucine 235 with valine.
Molecular consequence: missense variant. On other transcripts: intron variant (1).
Genome position (GRCh38, 1-based): chr7:116,699,787, A>G. VCF-style: chr7-116699787-A-G. GRCh37 (hg19) VCF-style: chr7-116339841-A-G.
Other names: c.703A>G, p.Ile235Val (NM_001127500.3, NM_001324401.3); c.-91+27210A>G (NM_001324402.2); c.703A>G (NM_001127500.1); short protein forms I235V.
Identifiers: ClinVar variation 1424281 (VCV001424281.11), dbSNP rs1266863567, ClinGen allele CA368969663.

ClinVar aggregate classification (germline): Conflicting classifications of pathogenicity. Review status: criteria provided, conflicting classifications (1 of 4 stars). 3 submissions from 3 submitters: Uncertain significance (2); Likely benign (1). Last evaluated 2026-06-23.

Conditions:
Hereditary cancer-predisposing syndrome. Also called: Hereditary Cancer Syndrome; Neoplastic Syndromes, Hereditary; Hereditary neoplastic syndrome; Tumor predisposition. Identifiers: Orphanet 140162, MedGen C0027672, MeSH D009386, MONDO:0015356.
Renal cell carcinoma. Identifiers: Orphanet 217071, MedGen C0007134, MeSH D002292, MONDO:0005086, HP:0005584.

Allele frequency attached by ClinVar (database versions not stated): TOPMed below 0.00001.
gnomAD v4.1: 1 of 1,614,140 alleles (0.000062%); highest among the groups gnomAD compares: Middle Eastern, 0.017%; no homozygotes.

Submissions (3):

Ambry Genetics
Classification: Likely benign for Hereditary cancer-predisposing syndrome. Last evaluated: 2026-06-23. Review status: criteria provided, single submitter. Criteria: Ambry Variant Classification Scheme 2023. Collection method: clinical testing. Allele origin: germline.

Labcorp Genetics (formerly Invitae), Labcorp
Classification: Uncertain significance for Renal cell carcinoma. Last evaluated: 2025-05-26. Review status: criteria provided, single submitter. Criteria: Invitae Variant Classification Sherloc (09022015). Collection method: clinical testing. Allele origin: germline.
Comment: This sequence change replaces isoleucine, which is neutral and non-polar, with valine, which is neutral and non-polar, at codon 235 of the MET protein (p.Ile235Val). This variant is not present in population databases (gnomAD no frequency). This variant has not been reported in the literature in individuals affected with MET-related conditions. ClinVar contains an entry for this variant (Variation ID: 1424281). Invitae Evidence Modeling of protein sequence and biophysical properties (such as structural, functional, and spatial information, amino acid conservation, physicochemical variation, residue mobility, and thermodynamic stability) indicates that this missense variant is not expected to disrupt MET protein function with a negative predictive value of 80%. In summary, the available evidence is currently insufficient to determine the role of this variant in disease. Therefore, it has been classified as a Variant of Uncertain Significance.

Revvity Omics, Revvity
Classification: Uncertain significance. Last evaluated: 2024-10-25. Review status: criteria provided, single submitter. Criteria: ACMG Guidelines, 2015. Collection method: clinical testing. Allele origin: germline.